The following is an entry in ClinVar:

ClinVar aggregate classification (germline): Uncertain significance (1 of 4 stars; one submission).

Conditions:
Joubert syndrome 16 (JBTS16). Identifiers: Orphanet 2318, MedGen C3280906, MONDO:0013764, OMIM 614465.

Submission:

Labcorp Genetics (formerly Invitae), Labcorp
Classification: Uncertain significance for Joubert syndrome 16. Last evaluated: 2021-04-23. Review status: criteria provided, single submitter. Criteria: Invitae Variant Classification Sherloc (09022015). Collection method: clinical testing. Allele origin: germline.
Comment: In summary, the available evidence is currently insufficient to determine the role of this variant in disease. Therefore, it has been classified as a Variant of Uncertain Significance. Algorithms developed to predict the effect of missense changes on protein structure and function are either unavailable or do not agree on the potential impact of this missense change (SIFT: "Deleterious"; PolyPhen-2: "Probably Damaging"; Align-GVGD: "Class C15"). This variant has not been reported in the literature in individuals with TMEM138-related conditions. This variant is not present in population databases (ExAC no frequency). This sequence change replaces proline with leucine at codon 144 of the TMEM138 protein (p.Pro144Leu). The proline residue is highly conserved and there is a moderate physicochemical difference between proline and leucine.

NM_016464.5(TMEM138):c.431C>T (p.Pro144Leu)

Gene: TMEM138 (transmembrane protein 138; plus strand). Cytogenetic location: 11q12.2.
Variant type: single nucleotide variant.
Coding change: c.431C>T on transcript NM_016464.5 (MANE Select); coding-DNA position 431, C replaced by T.
Protein change: p.Pro144Leu; replaces proline 144 with leucine.
Molecular consequence: missense variant. On other transcripts: non-coding transcript variant (1).
Genome position (GRCh38, 1-based): chr11:61,368,651, C>T. VCF-style: chr11-61368651-C-T. GRCh37 (hg19) VCF-style: chr11-61136123-C-T.
Other names: c.257C>T, p.Pro86Leu (NM_001330281.2); short protein forms P86L, P144L.
Identifiers: ClinVar variation 1347735 (VCV001347735.8), dbSNP rs2135165565, ClinGen allele CA380680565.